The following is an entry in ClinVar:

ClinVar aggregate classification (germline): Uncertain significance (0 of 4 stars; one submission).

Conditions:
MAOA-related disorder. Also called: MAOA-related condition.

Submission:

PreventionGenetics, part of Exact Sciences
Classification: Uncertain significance for MAOA-related condition. Last evaluated: 2023-10-23. Review status: no assertion criteria provided. Collection method: clinical testing. Allele origin: germline.
Comment: The MAOA c.1367C>A variant is predicted to result in the amino acid substitution p.Ala456Asp. To our knowledge, this variant has not been reported in the literature or in a large population database, indicating this variant is rare. At this time, the clinical significance of this variant is uncertain due to the absence of conclusive functional and genetic evidence.

NM_000240.4(MAOA):c.1367C>A (p.Ala456Asp)

Gene: MAOA (monoamine oxidase A; plus strand). Cytogenetic location: Xp11.3.
Variant type: single nucleotide variant.
Coding change: c.1367C>A on transcript NM_000240.4 (MANE Select); coding-DNA position 1367, C replaced by A.
Protein change: p.Ala456Asp; replaces alanine 456 with aspartic acid.
Molecular consequence: missense variant.
Genome position (GRCh38, 1-based): chrX:43,743,898, C>A. VCF-style: chrX-43743898-C-A. GRCh37 (hg19) VCF-style: chrX-43603145-C-A.
Other names: c.968C>A, p.Ala323Asp (NM_001270458.2); short protein forms A323D, A456D.
Identifiers: ClinVar variation 3055013 (VCV003055013.2), dbSNP rs2519170577, ClinGen allele CA413010415.